The following is an entry in ClinVar:

ClinVar aggregate classification (germline): Uncertain significance. Review status: criteria provided, multiple submitters, no conflicts (2 of 4 stars). 4 submissions from 4 submitters: Uncertain significance (4). Last evaluated 2024-02-28.

Conditions:
Neonatal-onset encephalopathy with rigidity and seizures. Also called: Lethal neonatal spasticity-epileptic encephalopathy syndrome. Identifiers: Orphanet 435845, MedGen C3281029, MONDO:0013784, OMIM 614498.
Inborn genetic diseases. Identifiers: MedGen C0950123, MeSH D030342.

Allele frequency attached by ClinVar (database versions not stated): gnomAD exomes below 0.00001; gnomAD 0.00001; TOPMed 0.00001.
gnomAD v4.1: 6 of 1,558,540 alleles (0.00038%); highest among the groups gnomAD compares: Non-Finnish European, 0.00043%; no homozygotes.

Submissions (4):

Ambry Genetics
Classification: Uncertain significance for Inborn genetic diseases. Last evaluated: 2024-02-28. Review status: criteria provided, single submitter. Criteria: Ambry Variant Classification Scheme 2023. Collection method: clinical testing. Allele origin: germline.

Labcorp Genetics (formerly Invitae), Labcorp
Classification: Uncertain significance for Neonatal-onset encephalopathy with rigidity and seizures. Last evaluated: 2022-02-04. Review status: criteria provided, single submitter. Criteria: Invitae Variant Classification Sherloc (09022015). Collection method: clinical testing. Allele origin: germline.
Comment: This variant is not present in population databases (gnomAD no frequency). This sequence change replaces leucine, which is neutral and non-polar, with proline, which is neutral and non-polar, at codon 130 of the BRAT1 protein (p.Leu130Pro). This variant has not been reported in the literature in individuals affected with BRAT1-related conditions. In summary, the available evidence is currently insufficient to determine the role of this variant in disease. Therefore, it has been classified as a Variant of Uncertain Significance. Algorithms developed to predict the effect of missense changes on protein structure and function (SIFT, PolyPhen-2, Align-GVGD) all suggest that this variant is likely to be disruptive. ClinVar contains an entry for this variant (Variation ID: 598766).

GeneDx
Classification: Uncertain significance. Last evaluated: 2021-04-20. Review status: criteria provided, single submitter. Criteria: GeneDx Variant Classification Process June 2021. Collection method: clinical testing. Allele origin: germline. Affected: yes.
Comment: Not observed in large population cohorts (Lek et al., 2016); In silico analysis supports that this missense variant has a deleterious effect on protein structure/function; Has not been previously published as pathogenic or benign to our knowledge

MVZ Martinsried, Medicover Genetics
Classification: Uncertain significance for Neonatal-onset encephalopathy with rigidity and seizures. Last evaluated: 2018-07-12. Review status: criteria provided, single submitter. Criteria: ACMG Guidelines, 2015. Collection method: clinical testing. Allele origin: unknown. Affected: yes.

NM_152743.4(BRAT1):c.389T>C (p.Leu130Pro)

Gene: BRAT1 (BRCA1 associated ATM activator 1; minus strand). Cytogenetic location: 7p22.3.
Variant type: single nucleotide variant.
Coding change: c.389T>C on transcript NM_152743.4 (MANE Select); coding-DNA position 389, T replaced by C.
Protein change: p.Leu130Pro; replaces leucine 130 with proline.
Molecular consequence: missense variant. On other transcripts: non-coding transcript variant (1), intron variant (1).
Genome position (GRCh38, 1-based): chr7:2,544,950, A>G on the plus strand (T>C on the coding strand, the complement: BRAT1 is on the minus strand). VCF-style: chr7-2544950-A-G. GRCh37 (hg19) VCF-style: chr7-2584584-A-G.
Other names: c.389T>C, p.Leu130Pro (NM_001350626.2); c.-95-988T>C (NM_001350627.2); short protein forms L130P.
Identifiers: ClinVar variation 598766 (VCV000598766.12), dbSNP rs1234481462, ClinGen allele CA366632832.